The following is an entry in ClinVar:

ClinVar aggregate classification (germline): Uncertain significance (1 of 4 stars; one submission).

Conditions:
Spinocerebellar ataxia type 19/22 (SCA19). Also called: SPINOCEREBELLAR ATAXIA 19; SPINOCEREBELLAR ATAXIA 22. Identifiers: Orphanet 98772, MedGen C1846367, MONDO:0011819, OMIM 607346.

Submission:

Labcorp Genetics (formerly Invitae), Labcorp
Classification: Uncertain significance for Spinocerebellar ataxia type 19/22. Last evaluated: 2025-06-22. Review status: criteria provided, single submitter. Criteria: Invitae Variant Classification Sherloc (09022015). Collection method: clinical testing. Allele origin: germline.
Comment: This sequence change replaces serine, which is neutral and polar, with phenylalanine, which is neutral and non-polar, at codon 503 of the KCND3 protein (p.Ser503Phe). This variant is present in population databases (no rsID available, gnomAD 0.002%). This variant has not been reported in the literature in individuals affected with KCND3-related conditions. Invitae Evidence Modeling of protein sequence and biophysical properties (such as structural, functional, and spatial information, amino acid conservation, physicochemical variation, residue mobility, and thermodynamic stability) indicates that this missense variant is not expected to disrupt KCND3 protein function with a negative predictive value of 95%. In summary, the available evidence is currently insufficient to determine the role of this variant in disease. Therefore, it has been classified as a Variant of Uncertain Significance.

NM_001378969.1(KCND3):c.1508C>T (p.Ser503Phe)

Gene: KCND3 (potassium voltage-gated channel subfamily D member 3; minus strand). Cytogenetic location: 1p13.2.
Variant type: single nucleotide variant.
Coding change: c.1508C>T on transcript NM_001378969.1 (MANE Select); coding-DNA position 1508, C replaced by T.
Protein change: p.Ser503Phe; replaces serine 503 with phenylalanine.
Molecular consequence: missense variant. On other transcripts: intron variant (2).
Genome position (GRCh38, 1-based): chr1:111,778,446, G>A on the plus strand (C>T on the coding strand, the complement: KCND3 is on the minus strand). VCF-style: chr1-111778446-G-A. GRCh37 (hg19) VCF-style: chr1-112321068-G-A.
Other names: c.1462-1173C>T (NM_172198.3, NM_001378970.1); c.1508C>T, p.Ser503Phe (NM_004980.5); short protein forms S503F.
Identifiers: ClinVar variation 4778440 (VCV004778440.1).